The following is an entry in ClinVar:

NM_000364.4(TNNT2):c.489+7dup

Gene: TNNT2 (troponin T2, cardiac type; minus strand). Cytogenetic location: 1q32.1.
Variant type: Duplication.
Coding change: c.489+7dup on transcript NM_000364.4; 7 bases into the intron after coding-DNA position 489, one base duplicated (G; older notation c.489+7dupG).
Genome position (GRCh38, 1-based): chr1:201,364,291, C duplicated on the plus strand (G on the coding strand, the reverse complement: TNNT2 is on the minus strand). VCF-style (leftmost placement, unchanged base first): chr1-201364290-T-TC. GRCh37 (hg19) VCF-style: chr1-201333418-T-TC.
Other names: c.444+7dup (NM_001001432.3); c.459+7dup (NM_001001431.3, NM_001001430.3, NM_001276347.2); c.369+7dup (NM_001276346.2); c.489+7dup (NM_001276345.2).
Identifiers: ClinVar variation 43644 (VCV000043644.5), dbSNP rs397516467, ClinGen allele CA004598.

ClinVar aggregate classification (germline): Likely benign (1 of 4 stars; one submission).

Submission:

Laboratory for Molecular Medicine, Mass General Brigham Personalized Medicine
Classification: Likely benign. Last evaluated: 2011-06-10. Review status: criteria provided, single submitter. Criteria: LMM Criteria. Collection method: clinical testing. Allele origin: germline. Observed: 1 variant allele.
Comment: The 459+7_459+8insG variant is located in the 5' splice region but does no affec t the highly conserved +1, +2 and +5 positions.